The following is an entry in ClinVar:

NM_001243279.3(ACSF3):c.1406G>A (p.Arg469Gln)

Gene: ACSF3 (acyl-CoA synthetase family member 3; plus strand). Cytogenetic location: 16q24.3.
Variant type: single nucleotide variant.
Coding change: c.1406G>A on transcript NM_001243279.3 (MANE Select); coding-DNA position 1406, G replaced by A.
Protein change: p.Arg469Gln; replaces arginine 469 with glutamine.
Molecular consequence: missense variant. On other transcripts: non-coding transcript variant (4).
Genome position (GRCh38, 1-based): chr16:89,145,306, G>A. VCF-style: chr16-89145306-G-A. GRCh37 (hg19) VCF-style: chr16-89211714-G-A.
Other names: p.R469Q:CGA>CAA; c.1406G>A, p.Arg469Gln (NM_001127214.4, NM_174917.5); c.611G>A, p.Arg204Gln (NM_001284316.2); short protein forms R469Q, R204Q.
Identifiers: ClinVar variation 203601 (VCV000203601.64), dbSNP rs144681140, ClinGen allele CA312301.

ClinVar aggregate classification (germline): Conflicting classifications of pathogenicity. Review status: criteria provided, conflicting classifications (1 of 4 stars). 9 submissions from 9 submitters: Uncertain significance (3); Likely benign (4). 2 of the submissions do not count toward it. Last evaluated 2026-02-03.

Conditions:
ACSF3-related disorder. Also called: ACSF3-related condition.
Inborn genetic diseases. Identifiers: MedGen C0950123, MeSH D030342.
Combined malonic and methylmalonic acidemia. Identifiers: Orphanet 289504, MedGen C3280314, MONDO:0013661, OMIM 614265.

Allele frequency attached by ClinVar (database versions not stated): 1000 Genomes Project 0.00319; 1000 Genomes Project 30x 0.00344; TOPMed 0.00416; ESP Exome Variant Server 0.00592.
gnomAD v4.1: 10,187 of 1,614,082 alleles (0.63%); highest among the groups gnomAD compares: Non-Finnish European, 0.76%; 39 homozygotes.

Submissions (9):

Labcorp Genetics (formerly Invitae), Labcorp
Classification: Likely benign for Combined malonic and methylmalonic acidemia. Last evaluated: 2026-02-03. Review status: criteria provided, single submitter. Criteria: Invitae Variant Classification Sherloc (09022015). Collection method: clinical testing. Allele origin: germline.

CeGaT Center for Human Genetics Tuebingen
Classification: Likely benign. Last evaluated: 2025-11-01. Review status: criteria provided, single submitter. Criteria: CeGaT Center For Human Genetics Tuebingen Variant Classification Criteria Version 2. Collection method: clinical testing. Allele origin: germline. Affected: yes. Observed: 5 variant alleles.
Comment: ACSF3: BP4, BS2

GeneDx
Classification: Uncertain significance. Last evaluated: 2025-03-27. Review status: criteria provided, single submitter. Criteria: GeneDx Variant Classification Process June 2021. Collection method: clinical testing. Allele origin: germline. Affected: yes.
Comment: Observed in a cohort of individuals with hidradenitis suppurativa, but additional clinical information was not included (PMID: 36291580); In silico analysis indicates that this missense variant does not alter protein structure/function; This variant is associated with the following publications: (PMID: 36291580)

ARUP Laboratories, Molecular Genetics and Genomics, ARUP Laboratories
Classification: Uncertain significance for Combined malonic and methylmalonic acidemia. Last evaluated: 2024-12-17. Review status: criteria provided, single submitter. Criteria: ARUP Molecular Germline Variant Investigation Process 2024. Collection method: clinical testing. Allele origin: germline.
Comment: The ACSF3 c.1406G>A; p.Arg469Gln variant (rs144681140), to our knowledge, is not reported in the medical literature but is reported in ClinVar (Variation ID: 203601). This variant is found in the general population with an overall allele frequency of 0.45% (1271/282590 alleles, including 3 homozygotes) in the Genome Aggregation Database (v2.1.1). Computational analyses predict that this variant is neutral (REVEL: 0.114). While the high population frequency suggests that this is likely a benign variant, given the lack of clinical and functional data, the significance of this variant is uncertain at this time.

Blueprint Genetics
Classification: Likely benign. Last evaluated: 2024-11-24. Review status: criteria provided, single submitter. Criteria: ACMG Guidelines, 2015. Collection method: clinical testing. Allele origin: germline.

Ambry Genetics
Classification: Likely benign for Inborn genetic diseases. Last evaluated: 2021-06-21. Review status: criteria provided, single submitter. Criteria: Ambry Variant Classification Scheme 2023. Collection method: clinical testing. Allele origin: germline.

Mayo Clinic Laboratories, Mayo Clinic
Classification: Uncertain significance for Combined malonic and methylmalonic acidemia. Last evaluated: 2017-04-26. Review status: criteria provided, single submitter. Criteria: ACMG Guidelines, 2015. Collection method: clinical testing. Allele origin: paternal.

Natera, Inc.
Classification: Uncertain significance for Combined malonic and methylmalonic aciduria. Last evaluated: 2020-05-01. Review status: no assertion criteria provided. Collection method: clinical testing. Allele origin: germline. Not counted in ClinVar's aggregate classification.

PreventionGenetics, part of Exact Sciences
Classification: Benign for ACSF3-related condition. Last evaluated: 2019-12-19. Review status: no assertion criteria provided. Collection method: clinical testing. Allele origin: germline. Not counted in ClinVar's aggregate classification.
Comment: This variant is classified as benign based on ACMG/AMP sequence variant interpretation guidelines (Richards et al. 2015 PMID: 25741868, with internal and published modifications).